The following is an entry in ClinVar:

ClinVar aggregate classification (germline): Uncertain significance (1 of 4 stars; one submission).

gnomAD v4.1: 1 of 1,584,610 alleles (0.000063%); highest among the groups gnomAD compares: Non-Finnish European, 0.000087%; no homozygotes.

Submission:

Labcorp Genetics (formerly Invitae), Labcorp
Classification: Uncertain significance. Last evaluated: 2024-06-05. Review status: criteria provided, single submitter. Criteria: Invitae Variant Classification Sherloc (09022015). Collection method: clinical testing. Allele origin: germline.
Comment: This sequence change replaces serine, which is neutral and polar, with tyrosine, which is neutral and polar, at codon 421 of the PLCB4 protein (p.Ser421Tyr). This variant is not present in population databases (gnomAD no frequency). This variant has not been reported in the literature in individuals affected with PLCB4-related conditions. ClinVar contains an entry for this variant (Variation ID: 2008441). Advanced modeling of protein sequence and biophysical properties (such as structural, functional, and spatial information, amino acid conservation, physicochemical variation, residue mobility, and thermodynamic stability) performed at Invitae indicates that this missense variant is not expected to disrupt PLCB4 protein function with a negative predictive value of 95%. In summary, the available evidence is currently insufficient to determine the role of this variant in disease. Therefore, it has been classified as a Variant of Uncertain Significance.

NM_001377142.1(PLCB4):c.1262C>A (p.Ser421Tyr)

Gene: PLCB4 (phospholipase C beta 4; plus strand). Cytogenetic location: 20p12.2.
Variant type: single nucleotide variant.
Coding change: c.1262C>A on transcript NM_001377142.1 (MANE Select); coding-DNA position 1262, C replaced by A.
Protein change: p.Ser421Tyr; replaces serine 421 with tyrosine.
Molecular consequence: missense variant.
Genome position (GRCh38, 1-based): chr20:9,390,554, C>A. VCF-style: chr20-9390554-C-A. GRCh37 (hg19) VCF-style: chr20-9371201-C-A.
Other names: c.1262C>A, p.Ser421Tyr (NM_000933.4, NM_001172646.2, NM_001377134.2 and 4 more transcripts); short protein forms S421Y.
Identifiers: ClinVar variation 2008441 (VCV002008441.4), dbSNP rs2038055324, ClinGen allele CA408219575.